The following is an entry in ClinVar:

NM_002133.3(HMOX1):c.552C>T (p.Ser184=)

Gene: HMOX1 (heme oxygenase 1; plus strand). Cytogenetic location: 22q12.3.
Variant type: single nucleotide variant.
Coding change: c.552C>T on transcript NM_002133.3 (MANE Select); coding-DNA position 552, C replaced by T.
Protein change: p.Ser184=; no amino-acid change (serine 184 retained).
Molecular consequence: synonymous variant.
Genome position (GRCh38, 1-based): chr22:35,387,092, C>T. VCF-style: chr22-35387092-C-T. GRCh37 (hg19) VCF-style: chr22-35783085-C-T.
Identifiers: ClinVar variation 1151719 (VCV001151719.24), dbSNP rs78573711, ClinGen allele CA10204746.

ClinVar aggregate classification (germline): Likely benign. Review status: criteria provided, multiple submitters, no conflicts (2 of 4 stars). 3 submissions from 3 submitters: Likely benign (3). Last evaluated 2025-10-02.

Allele frequency attached by ClinVar (database versions not stated): gnomAD exomes 0.00003 and 0.00008; ExAC 0.00009; ESP Exome Variant Server 0.00023; gnomAD 0.00036 and 0.00039; TOPMed 0.00036; 1000 Genomes Project 0.00040; 1000 Genomes Project 30x 0.00047.
gnomAD v4.1: 98 of 1,613,672 alleles (0.0061%); highest among the groups gnomAD compares: African/African-American, 0.12%; no homozygotes.

Submissions (3):

Labcorp Genetics (formerly Invitae), Labcorp
Classification: Likely benign. Last evaluated: 2025-10-02. Review status: criteria provided, single submitter. Criteria: Invitae Variant Classification Sherloc (09022015). Collection method: clinical testing. Allele origin: germline.

Blueprint Genetics
Classification: Likely benign. Last evaluated: 2024-11-13. Review status: criteria provided, single submitter. Criteria: ACMG Guidelines, 2015. Collection method: clinical testing. Allele origin: germline.

CeGaT Center for Human Genetics Tuebingen
Classification: Likely benign. Last evaluated: 2024-11-01. Review status: criteria provided, single submitter. Criteria: CeGaT Center For Human Genetics Tuebingen Variant Classification Criteria Version 2. Collection method: clinical testing. Allele origin: germline. Affected: yes. Observed: 1 variant allele.
Comment: HMOX1: BP4, BP7